The following is an entry in ClinVar:

ClinVar aggregate classification (germline): Uncertain significance (1 of 4 stars; one submission).

Submission:

Ambry Genetics
Classification: Uncertain significance. Last evaluated: 2021-11-14. Review status: criteria provided, single submitter. Criteria: Ambry Variant Classification Scheme 2023. Collection method: clinical testing. Allele origin: germline.
Comment: The p.G321R variant (also known as c.961G>A), located in coding exon 2 of the EGLN1 gene, results from a G to A substitution at nucleotide position 961. The glycine at codon 321 is replaced by arginine, an amino acid with dissimilar properties. This amino acid position is conserved. In addition, this alteration is predicted to be deleterious by in silico analysis. Since supporting evidence is limited at this time, the clinical significance of this alteration remains unclear.

NM_022051.3(EGLN1):c.961G>A (p.Gly321Arg)

Gene: EGLN1 (egl-9 family hypoxia inducible factor 1; minus strand). Cytogenetic location: 1q42.2.
Variant type: single nucleotide variant.
Coding change: c.961G>A on transcript NM_022051.3 (MANE Select); coding-DNA position 961, G replaced by A.
Protein change: p.Gly321Arg; replaces glycine 321 with arginine.
Molecular consequence: missense variant.
Genome position (GRCh38, 1-based): chr1:231,374,030, C>T on the plus strand (G>A on the coding strand, the complement: EGLN1 is on the minus strand). VCF-style: chr1-231374030-C-T. GRCh37 (hg19) VCF-style: chr1-231509776-C-T.
Other names: c.961G>A, p.Gly321Arg (NM_001377260.1, NM_001377261.1); short protein forms G321R.
Identifiers: ClinVar variation 1767595 (VCV001767595.2), dbSNP rs2527236912, ClinGen allele CA345241454.
Genomic context (GRCh38, chr1:231,374,030, plus strand): 5'-AGTTGCATACCTTGGCATCCCAGTCTTTATTAAGATAATATATACATGTCACACATCTTC[C>T]ATCTCCATTTGGATTATCAACATGACGTACATAACCCGTTCCATTGCCCGGATAACAAGC-3'
Protein context (NP_071334.1, residues 311-331): VRHVDNPNGD[Gly321Arg]RCVTCIYYLN